The following is an entry in ClinVar:

ClinVar aggregate classification (germline): Uncertain significance (1 of 4 stars; one submission).

Conditions:
Familial temporal lobe epilepsy 7. Identifiers: Orphanet 101046, MedGen C4225327, MONDO:0014639, OMIM 616436.
Norman-Roberts syndrome (LIS2). Also called: Lissencephaly 2 (Norman-Roberts type). Identifiers: Orphanet 89844, MedGen C0796089, MONDO:0009760, OMIM 257320.

gnomAD v4.1: 1 of 1,614,120 alleles (0.000062%); highest among the groups gnomAD compares: Non-Finnish European, 0.000085%; no homozygotes.

Submission:

Labcorp Genetics (formerly Invitae), Labcorp
Classification: Uncertain significance for Familial temporal lobe epilepsy 7; Norman-Roberts syndrome. Last evaluated: 2025-01-05. Review status: criteria provided, single submitter. Criteria: Invitae Variant Classification Sherloc (09022015). Collection method: clinical testing. Allele origin: germline.
Comment: This sequence change replaces lysine, which is basic and polar, with isoleucine, which is neutral and non-polar, at codon 3270 of the RELN protein (p.Lys3270Ile). This variant is not present in population databases (gnomAD no frequency). This variant has not been reported in the literature in individuals affected with RELN-related conditions. Invitae Evidence Modeling of protein sequence and biophysical properties (such as structural, functional, and spatial information, amino acid conservation, physicochemical variation, residue mobility, and thermodynamic stability) indicates that this missense variant is not expected to disrupt RELN protein function with a negative predictive value of 80%. In summary, the available evidence is currently insufficient to determine the role of this variant in disease. Therefore, it has been classified as a Variant of Uncertain Significance.

NM_005045.4(RELN):c.9809A>T (p.Lys3270Ile)

Genes: SLC26A5-AS1 (SLC26A5 antisense RNA 1; plus strand), RELN (reelin; minus strand). Cytogenetic location: 7q22.1.
Variant type: single nucleotide variant.
Coding change: c.9809A>T on transcript NM_005045.4 (MANE Select); coding-DNA position 9809, A replaced by T.
Protein change: p.Lys3270Ile; replaces lysine 3270 with isoleucine.
Molecular consequence: missense variant.
Genome position (GRCh38, 1-based): chr7:103,486,371, T>A on the plus strand (A>T on the coding strand, the complement: RELN is on the minus strand). VCF-style: chr7-103486371-T-A. GRCh37 (hg19) VCF-style: chr7-103126818-T-A.
Other names: c.9809A>T, p.Lys3270Ile (NM_173054.3); short protein forms K3270I.
Identifiers: ClinVar variation 3756829 (VCV003756829.2).